The following is an entry in ClinVar:

NM_181507.2(HPS5):c.1967T>C (p.Phe656Ser)

Gene: HPS5 (HPS5 biogenesis of lysosomal organelles complex 2 subunit 2; minus strand). Cytogenetic location: 11p15.1.
Variant type: single nucleotide variant.
Coding change: c.1967T>C on transcript NM_181507.2 (MANE Select); coding-DNA position 1967, T replaced by C.
Protein change: p.Phe656Ser; replaces phenylalanine 656 with serine.
Molecular consequence: missense variant.
Genome position (GRCh38, 1-based): chr11:18,291,915, A>G on the plus strand (T>C on the coding strand, the complement: HPS5 is on the minus strand). VCF-style: chr11-18291915-A-G. GRCh37 (hg19) VCF-style: chr11-18313462-A-G.
Other names: c.1625T>C, p.Phe542Ser (NM_007216.4, NM_181508.2); short protein forms F542S, F656S.
Identifiers: ClinVar variation 1350739 (VCV001350739.7), dbSNP rs762693856, ClinGen allele CA5909947.

ClinVar aggregate classification (germline): Uncertain significance. Review status: criteria provided, multiple submitters, no conflicts (2 of 4 stars). 2 submissions from 2 submitters: Uncertain significance (2). Last evaluated 2023-08-02.

Conditions:
Inborn genetic diseases. Identifiers: MedGen C0950123, MeSH D030342.

Allele frequency attached by ClinVar (database versions not stated): gnomAD 0.00003; gnomAD exomes 0.00003 and 0.00004; ExAC 0.00006.
gnomAD v4.1: 42 of 1,609,232 alleles (0.0026%); highest among the groups gnomAD compares: South Asian, 0.044%; no homozygotes.

Submissions (2):

Ambry Genetics
Classification: Uncertain significance for Inborn genetic diseases. Last evaluated: 2023-08-02. Review status: criteria provided, single submitter. Criteria: Ambry Variant Classification Scheme 2023. Collection method: clinical testing. Allele origin: germline.

Labcorp Genetics (formerly Invitae), Labcorp
Classification: Uncertain significance. Last evaluated: 2021-08-26. Review status: criteria provided, single submitter. Criteria: Invitae Variant Classification Sherloc (09022015). Collection method: clinical testing. Allele origin: germline.
Comment: This sequence change replaces phenylalanine with serine at codon 656 of the HPS5 protein (p.Phe656Ser). The phenylalanine residue is weakly conserved and there is a large physicochemical difference between phenylalanine and serine. This variant is present in population databases (rs762693856, ExAC 0.04%). This variant has not been reported in the literature in individuals affected with HPS5-related conditions. Algorithms developed to predict the effect of missense changes on protein structure and function output the following: SIFT: "Tolerated"; PolyPhen-2: "Benign"; Align-GVGD: "Class C0". The serine amino acid residue is found in multiple mammalian species, which suggests that this missense change does not adversely affect protein function. In summary, the available evidence is currently insufficient to determine the role of this variant in disease. Therefore, it has been classified as a Variant of Uncertain Significance.